The following is an entry in ClinVar:

ClinVar aggregate classification (germline): Uncertain significance (1 of 4 stars; one submission).

Conditions:
Maturity-onset diabetes of the young (MODY). Also called: Maturity onset diabetes mellitus in young. Identifiers: Orphanet 552, MedGen C0342276, MONDO:0018911, HP:0004904.

Submission:

Ambry Genetics
Classification: Uncertain significance for Maturity-onset diabetes of the young. Last evaluated: 2026-05-05. Review status: criteria provided, single submitter. Criteria: Ambry Variant Classification Scheme 2023. Collection method: clinical testing. Allele origin: germline.
Comment: The c.1263C>G (p.S421R) alteration is located in exon 6 (coding exon 6) of the HNF1B gene. This alteration results from a C to G substitution at nucleotide position 1263, causing the serine (S) at amino acid position 421 to be replaced by an arginine (R). This variant was not reported in population-based cohorts in the Genome Aggregation Database (gnomAD). This amino acid position is well conserved in available vertebrate species. This alteration is predicted to be deleterious by in silico analysis. Based on insufficient or conflicting evidence, the clinical significance of this alteration remains unclear.

NM_000458.4(HNF1B):c.1263C>G (p.Ser421Arg)

Gene: HNF1B (HNF1 homeobox B; minus strand). Cytogenetic location: 17q12.
Variant type: single nucleotide variant.
Coding change: c.1263C>G on transcript NM_000458.4 (MANE Select); coding-DNA position 1263, C replaced by G.
Protein change: p.Ser421Arg; replaces serine 421 with arginine.
Molecular consequence: missense variant.
Genome position (GRCh38, 1-based): chr17:37,704,993, G>C on the plus strand (C>G on the coding strand, the complement: HNF1B is on the minus strand). VCF-style: chr17-37704993-G-C. GRCh37 (hg19) VCF-style: chr17-36065000-G-C.
Other names: c.1185C>G, p.Ser395Arg (NM_001165923.4, NM_001304286.2); c.1263C>G, p.Ser421Arg (NM_001411100.1); short protein forms S395R, S421R.
Identifiers: ClinVar variation 4858360 (VCV004858360.1).